The following is an entry in ClinVar:

ClinVar aggregate classification (germline): Uncertain significance (1 of 4 stars; one submission).

Conditions:
Cardiovascular phenotype. Identifiers: MedGen CN230736.

Submission:

Ambry Genetics
Classification: Uncertain significance for Cardiovascular phenotype. Last evaluated: 2024-11-17. Review status: criteria provided, single submitter. Criteria: Ambry Variant Classification Scheme 2023. Collection method: clinical testing. Allele origin: germline.
Comment: The p.P962L variant (also known as c.2885C>T), located in coding exon 11 of the RBM20 gene, results from a C to T substitution at nucleotide position 2885. The proline at codon 962 is replaced by leucine, an amino acid with similar properties. This amino acid position is conserved. In addition, this alteration is predicted to be tolerated by in silico analysis. Based on the available evidence, the clinical significance of this variant remains unclear.

NM_001134363.3(RBM20):c.2885C>T (p.Pro962Leu)

Gene: RBM20 (RNA binding motif protein 20; plus strand). Cytogenetic location: 10q25.2.
Variant type: single nucleotide variant.
Coding change: c.2885C>T on transcript NM_001134363.3 (MANE Select); coding-DNA position 2885, C replaced by T.
Protein change: p.Pro962Leu; replaces proline 962 with leucine.
Molecular consequence: missense variant.
Genome position (GRCh38, 1-based): chr10:110,821,504, C>T. VCF-style: chr10-110821504-C-T. GRCh37 (hg19) VCF-style: chr10-112581262-C-T.
Other names: short protein forms P962L.
Identifiers: ClinVar variation 3431253 (VCV003431253.1).
Genomic context (GRCh38, chr10:110,821,504, plus strand): 5'-GCCCAGAAACATGTCTGTGTGTGACAACCACCTTAGACTTAGACCTGGCCCAGGATTTCC[C>T]CAAGGAAGGAGTCAAGGCCGTAGGGAATGGGGCTGCAGAAATCAGCCTCAAGTCACCCAG-3'
Protein context (NP_001127835.2, residues 952-972): TLDLDLAQDF[Pro962Leu]KEGVKAVGNG